The following is an entry in ClinVar:

NM_015001.3(SPEN):c.8419C>T (p.Arg2807Cys)

Gene: SPEN (spen family transcriptional repressor; plus strand). Cytogenetic location: 1p36.13.
Variant type: single nucleotide variant.
Coding change: c.8419C>T on transcript NM_015001.3 (MANE Select); coding-DNA position 8419, C replaced by T.
Protein change: p.Arg2807Cys; replaces arginine 2807 with cysteine.
Molecular consequence: missense variant.
Genome position (GRCh38, 1-based): chr1:15,934,659, C>T. VCF-style: chr1-15934659-C-T. GRCh37 (hg19) VCF-style: chr1-16261154-C-T.
Other names: short protein forms R2807C.
Identifiers: ClinVar variation 3368522 (VCV003368522.1).

ClinVar aggregate classification (germline): Uncertain significance (1 of 4 stars; one submission).

gnomAD v4.1: 3 of 1,613,902 alleles (0.00019%); highest among the groups gnomAD compares: Admixed American, 0.0017%; no homozygotes.

Submission:

GeneDx
Classification: Uncertain significance. Last evaluated: 2024-01-30. Review status: criteria provided, single submitter. Criteria: GeneDx Variant Classification Process June 2021. Collection method: clinical testing. Allele origin: germline. Affected: yes.
Comment: In silico analysis supports that this missense variant has a deleterious effect on protein structure/function; Has not been previously published as pathogenic or benign to our knowledge